The following is an entry in ClinVar:

NM_006019.4(TCIRG1):c.1995dup (p.Arg666fs)

Gene: TCIRG1 (T cell immune regulator 1, ATPase H+ transporting V0 subunit a3; plus strand). Cytogenetic location: 11q13.2.
Variant type: Duplication.
Coding change: c.1995dup on transcript NM_006019.4 (MANE Select); coding-DNA position 1995, one base duplicated (G; older notation c.1995dupG).
Protein change: p.Arg666fs; shifts the reading frame from arginine 666.
Molecular consequence: frameshift variant.
Genome position (GRCh38, 1-based): chr11:68,049,770, G duplicated; the last of 2 consecutive G bases (chr11:68,049,769-68,049,770); duplicating either gives the same sequence. VCF-style (leftmost placement, unchanged base first): chr11-68049768-A-AG. GRCh37 (hg19) VCF-style: chr11-67817235-A-AG.
Other names: c.1101dup, p.Arg368fs (NM_001351059.2); c.1995dup, p.Arg666fs (NM_001440552.1, NM_001440553.1, NM_001440554.1 and 2 more transcripts); c.1953dup, p.Arg652fs (NM_001440555.1, NM_001440556.1, NM_001440563.1); c.1782dup, p.Arg595fs (NM_001440559.1, NM_001440560.1, NM_001440561.1 and 2 more transcripts); c.1740dup, p.Arg581fs (NM_001440564.1); c.1695dup, p.Arg566fs (NM_001440565.1); c.1533dup, p.Arg512fs (NM_001440567.1); c.1527dup, p.Arg510fs (NM_001440568.1); and 2 more; short protein forms R346fs, R368fs, R450fs, R510fs, R512fs, R566fs, R581fs, R595fs.
Identifiers: ClinVar variation 5011856 (VCV005011856.1).

ClinVar aggregate classification (germline): Pathogenic (1 of 4 stars; one submission).

Conditions:
Autosomal recessive osteopetrosis 1. Also called: ALBERS-SCHONBERG DISEASE, AUTOSOMAL RECESSIVE; TCIRG1-Related Autosomal Recessive Osteopetrosis; TCIRG1-Related Osteopetrosis. Identifiers: Orphanet 667, MedGen C1850127, MONDO:0009815, OMIM 259700.

Submission:

Myriad Genetics, Inc.
Classification: Pathogenic for Autosomal recessive osteopetrosis 1. Last evaluated: 2023-09-27. Review status: criteria provided, single submitter. Criteria: Myriad Autosomal Dominant, Autosomal Recessive and X-Linked Classification Criteria (2023). Collection method: clinical testing. Allele origin: unknown.
Comment: NM_006019.3(TCIRG1):c.1995dupG(R666Efs*4) is expected to be pathogenic in the context of autosomal recessive osteopetrosis type 1. This variant is predicted to lead to an abnormal or absent protein product due to the creation of a premature termination codon in TCIRG1, a gene where loss-of-function variants are known to be pathogenic. Please note: this variant was assessed in the context of healthy population screening.